The following is an entry in ClinVar:

NM_001365088.1(SLC12A6):c.3043-8_3043-7insTGA

Gene: SLC12A6 (solute carrier family 12 member 6; minus strand). Cytogenetic location: 15q14.
Variant type: Insertion.
Coding change: c.3043-8_3043-7insTGA on transcript NM_001365088.1 (MANE Select); 8 bases into the intron before coding-DNA position 3043 through 7 bases into the intron before coding-DNA position 3043, TGA inserted.
Molecular consequence: intron variant.
Genome position: GRCh38 VCF-style: chr15-34236206-A-AATC. GRCh37 (hg19) VCF-style: chr15-34528407-A-AATC.
Other names: c.3043-8_3043-7insGAT (NM_133647.1); c.2866-8_2866-7insTGA (NM_001042495.2, NM_001042494.2); c.3016-8_3016-7insTGA (NM_001042496.2); c.2998-8_2998-7insTGA (NM_001042497.2); c.3043-8_3043-7insTGA (NM_133647.2); c.2890-8_2890-7insTGA (NM_005135.2).
Identifiers: ClinVar variation 421794 (VCV000421794.8), dbSNP rs1064795364, ClinGen allele CA16619917.

ClinVar aggregate classification (germline): Likely benign. Review status: criteria provided, multiple submitters, no conflicts (2 of 4 stars). 2 submissions from 2 submitters: Likely benign (2). Last evaluated 2025-05-19.

Submissions (2):

Labcorp Genetics (formerly Invitae), Labcorp
Classification: Likely benign. Last evaluated: 2025-05-19. Review status: criteria provided, single submitter. Criteria: Invitae Variant Classification Sherloc (09022015). Collection method: clinical testing. Allele origin: germline.

GeneDx
Classification: Likely benign. Last evaluated: 2016-08-01. Review status: criteria provided, single submitter. Criteria: GeneDx Variant Classification (06012015). Collection method: clinical testing. Allele origin: germline. Affected: yes.
Comment: This variant is considered likely benign or benign based on one or more of the following criteria: it is a conservative change, it occurs at a poorly conserved position in the protein, it is predicted to be benign by multiple in silico algorithms, and/or has population frequency not consistent with disease.